The following is an entry in ClinVar:

NM_000182.5(HADHA):c.1209A>G (p.Gln403=)

Genes: GAREM2 (GRB2 associated regulator of MAPK1 subtype 2; plus strand), HADHA (hydroxyacyl-CoA dehydrogenase trifunctional multienzyme complex subunit alpha; minus strand). Cytogenetic location: 2p23.3.
Variant type: single nucleotide variant.
Coding change: c.1209A>G on transcript NM_000182.5 (MANE Select); coding-DNA position 1209, A replaced by G.
Protein change: p.Gln403=; no amino-acid change (glutamine 403 retained).
Molecular consequence: synonymous variant.
Genome position (GRCh38, 1-based): chr2:26,204,073, T>C on the plus strand (A>G on the coding strand, the complement: HADHA is on the minus strand). VCF-style: chr2-26204073-T-C. GRCh37 (hg19) VCF-style: chr2-26426942-T-C.
Identifiers: ClinVar variation 746477 (VCV000746477.14), dbSNP rs780178287, ClinGen allele CA1559643.

ClinVar aggregate classification (germline): Likely benign. Review status: criteria provided, multiple submitters, no conflicts (2 of 4 stars). 3 submissions from 3 submitters: Likely benign (2). 1 of the submissions does not count toward it. Last evaluated 2025-12-28.

Conditions:
Mitochondrial trifunctional protein deficiency. Identifiers: Orphanet 746, MedGen C1969443, MONDO:0012172.
Long chain 3-hydroxyacyl-CoA dehydrogenase deficiency. Also called: LCHAD Deficiency; Deficiency of long-chain 3-hydroxyacyl-coenzyme A dehydrogenase. Identifiers: Orphanet 5, MedGen C3711645, MONDO:0012173, OMIM 609016.
HADHA-related disorder. Also called: HADHA-related condition; HADHA-related disorders.

Allele frequency attached by ClinVar (database versions not stated): gnomAD exomes 0.00001 and 0.00008; ExAC 0.00003; TOPMed 0.00003; gnomAD 0.00004.
gnomAD v4.1: 29 of 1,613,922 alleles (0.0018%); highest among the groups gnomAD compares: East Asian, 0.053%; 1 homozygote.

Submissions (4):

Labcorp Genetics (formerly Invitae), Labcorp
Classification: Likely benign for Mitochondrial trifunctional protein deficiency; Long chain 3-hydroxyacyl-CoA dehydrogenase deficiency. Last evaluated: 2025-12-28. Review status: criteria provided, single submitter. Criteria: Invitae Variant Classification Sherloc (09022015). Collection method: clinical testing. Allele origin: germline.

PreventionGenetics, part of Exact Sciences
Classification: Likely benign for HADHA-related condition. Last evaluated: 2025-12-15. Review status: criteria provided, single submitter. Criteria: ACMG Guidelines, 2015. Collection method: clinical testing. Allele origin: germline.
Comment: This variant is classified as likely benign based on ACMG/AMP sequence variant interpretation guidelines (Richards et al. 2015 PMID: 25741868, with internal and published modifications).

Natera, Inc.
Classification: Uncertain significance for Deficiency of long-chain 3-hydroxyacyl-coenzyme A dehydrogenase. Last evaluated: 2020-01-24. Review status: no assertion criteria provided. Collection method: clinical testing. Allele origin: germline. Not counted in ClinVar's aggregate classification.

Dr. Peter K. Rogan Lab, Western University
No classification provided (evidence only). Condition: Malignant tumor of esophagus. Review status: no classification provided. Collection method: in vitro. Allele origin: not applicable. Functional consequence: retained intron. Not counted in ClinVar's aggregate classification.